The following is an entry in ClinVar:

ClinVar aggregate classification (germline): Uncertain significance (1 of 4 stars; one submission).

Allele frequency attached by ClinVar (database versions not stated): gnomAD exomes below 0.00001; ExAC 0.00001.

Submission:

Labcorp Genetics (formerly Invitae), Labcorp
Classification: Uncertain significance. Last evaluated: 2019-10-24. Review status: criteria provided, single submitter. Criteria: Invitae Variant Classification Sherloc (09022015). Collection method: clinical testing. Allele origin: germline.
Comment: In summary, the available evidence is currently insufficient to determine the role of this variant in disease. Therefore, it has been classified as a Variant of Uncertain Significance. Algorithms developed to predict the effect of missense changes on protein structure and function output the following: SIFT: "Tolerated"; PolyPhen-2: "Benign"; Align-GVGD: "Class C0". The phenylalanine amino acid residue is found in multiple mammalian species, suggesting that this missense change does not adversely affect protein function. These predictions have not been confirmed by published functional studies and their clinical significance is uncertain. This variant has not been reported in the literature in individuals with PROM1-related conditions. This variant is present in population databases (rs753768737, ExAC 0.01%). This sequence change replaces leucine with phenylalanine at codon 424 of the PROM1 protein (p.Leu424Phe). The leucine residue is moderately conserved and there is a small physicochemical difference between leucine and phenylalanine.

NM_006017.3(PROM1):c.1272A>T (p.Leu424Phe)

Gene: PROM1 (prominin 1; minus strand). Cytogenetic location: 4p15.32.
Variant type: single nucleotide variant.
Coding change: c.1272A>T on transcript NM_006017.3 (MANE Select); coding-DNA position 1272, A replaced by T.
Protein change: p.Leu424Phe; replaces leucine 424 with phenylalanine.
Molecular consequence: missense variant.
Genome position (GRCh38, 1-based): chr4:16,008,978, T>A on the plus strand (A>T on the coding strand, the complement: PROM1 is on the minus strand). VCF-style: chr4-16008978-T-A. GRCh37 (hg19) VCF-style: chr4-16010601-T-A.
Other names: c.1245A>T, p.Leu415Phe (NM_001145847.2, NM_001145848.2, NM_001145851.2 and 4 more transcripts); c.1272A>T, p.Leu424Phe (NM_001145849.2, NM_001145850.2); short protein forms L415F, L424F.
Identifiers: ClinVar variation 969894 (VCV000969894.9), dbSNP rs753768737, ClinGen allele CA2866826.